The following is an entry in ClinVar:

NM_001134363.3(RBM20):c.2833A>T (p.Thr945Ser)

Gene: RBM20 (RNA binding motif protein 20; plus strand). Cytogenetic location: 10q25.2.
Variant type: single nucleotide variant.
Coding change: c.2833A>T on transcript NM_001134363.3 (MANE Select); coding-DNA position 2833, A replaced by T.
Protein change: p.Thr945Ser; replaces threonine 945 with serine.
Molecular consequence: missense variant.
Genome position (GRCh38, 1-based): chr10:110,821,452, A>T. VCF-style: chr10-110821452-A-T. GRCh37 (hg19) VCF-style: chr10-112581210-A-T.
Other names: short protein forms T945S.
Identifiers: ClinVar variation 1440262 (VCV001440262.6), dbSNP rs2135121107, ClinGen allele CA378377893.

ClinVar aggregate classification (germline): Uncertain significance (1 of 4 stars; one submission).

Conditions:
Dilated cardiomyopathy 1DD (CMD1DD). Identifiers: Orphanet 154, MedGen C2750995, MONDO:0013168, OMIM 613172.

Allele frequency attached by ClinVar (database versions not stated): gnomAD exomes below 0.00001.
gnomAD v4.1: 1 of 1,551,816 alleles (0.000064%); highest among the groups gnomAD compares: Non-Finnish European, 0.000087%; no homozygotes.

Submission:

Labcorp Genetics (formerly Invitae), Labcorp
Classification: Uncertain significance for Dilated cardiomyopathy 1DD. Last evaluated: 2021-11-22. Review status: criteria provided, single submitter. Criteria: Invitae Variant Classification Sherloc (09022015). Collection method: clinical testing. Allele origin: germline.
Comment: This sequence change replaces threonine, which is neutral and polar, with serine, which is neutral and polar, at codon 945 of the RBM20 protein (p.Thr945Ser). This variant is not present in population databases (gnomAD no frequency). In summary, the available evidence is currently insufficient to determine the role of this variant in disease. Therefore, it has been classified as a Variant of Uncertain Significance. Advanced modeling of protein sequence and biophysical properties (such as structural, functional, and spatial information, amino acid conservation, physicochemical variation, residue mobility, and thermodynamic stability) performed at Invitae indicates that this missense variant is not expected to disrupt RBM20 protein function. This variant has not been reported in the literature in individuals affected with RBM20-related conditions.